The following is an entry in ClinVar:

NM_005726.6(TSFM):c.917C>T (p.Ser306Leu)

Gene: TSFM (Ts translation elongation factor, mitochondrial; plus strand). Cytogenetic location: 12q14.1.
Variant type: single nucleotide variant.
Coding change: c.917C>T on transcript NM_005726.6 (MANE Select); coding-DNA position 917, C replaced by T.
Protein change: p.Ser306Leu; replaces serine 306 with leucine.
Molecular consequence: missense variant. On other transcripts: 3 prime UTR variant (1), intron variant (1).
Genome position (GRCh38, 1-based): chr12:57,796,522, C>T. VCF-style: chr12-57796522-C-T. GRCh37 (hg19) VCF-style: chr12-58190305-C-T.
Other names: c.*325C>T (NM_001172695.2); c.980C>T, p.Ser327Leu (NM_001172696.2); c.571+3449C>T (NM_001172697.2); c.980C>T (NM_001172696.1); short protein forms S327L, S306L.
Identifiers: ClinVar variation 2044119 (VCV002044119.2), dbSNP rs373942098, ClinGen allele CA6659476.

ClinVar aggregate classification (germline): Uncertain significance. Review status: criteria provided, multiple submitters, no conflicts (2 of 4 stars). 2 submissions from 2 submitters: Uncertain significance (2). Last evaluated 2024-01-04.

Allele frequency attached by ClinVar (database versions not stated): ExAC 0.00003; TOPMed 0.00005; ESP Exome Variant Server 0.00008.
gnomAD v4.1: 46 of 1,495,352 alleles (0.0031%); highest among the groups gnomAD compares: East Asian, 0.046%; no homozygotes.

Submissions (2):

GeneDx
Classification: Uncertain significance. Last evaluated: 2024-01-04. Review status: criteria provided, single submitter. Criteria: GeneDx Variant Classification Process June 2021. Collection method: clinical testing. Allele origin: germline. Affected: yes.
Comment: Not observed at significant frequency in large population cohorts (gnomAD); In silico analysis supports that this missense variant has a deleterious effect on protein structure/function; Has not been previously published as pathogenic or benign to our knowledge

Labcorp Genetics (formerly Invitae), Labcorp
Classification: Uncertain significance. Last evaluated: 2022-07-12. Review status: criteria provided, single submitter. Criteria: Invitae Variant Classification Sherloc (09022015). Collection method: clinical testing. Allele origin: germline.
Comment: This sequence change replaces serine, which is neutral and polar, with leucine, which is neutral and non-polar, at codon 327 of the TSFM protein (p.Ser327Leu). This variant is present in population databases (rs373942098, gnomAD 0.01%). This variant has not been reported in the literature in individuals affected with TSFM-related conditions. Algorithms developed to predict the effect of missense changes on protein structure and function (SIFT, PolyPhen-2, Align-GVGD) all suggest that this variant is likely to be tolerated. In summary, the available evidence is currently insufficient to determine the role of this variant in disease. Therefore, it has been classified as a Variant of Uncertain Significance.